The following is an entry in ClinVar:

ClinVar aggregate classification (germline): Uncertain significance (1 of 4 stars; one submission).

Submission:

GeneDx
Classification: Uncertain significance. Last evaluated: 2025-03-11. Review status: criteria provided, single submitter. Criteria: GeneDx Variant Classification Process June 2021. Collection method: clinical testing. Allele origin: germline. Affected: yes.
Comment: Not observed at significant frequency in large population cohorts (gnomAD); In silico analysis supports that this missense variant has a deleterious effect on protein structure/function; Has not been previously published as pathogenic or benign to our knowledge

NM_020822.3(KCNT1):c.1462T>C (p.Tyr488His)

Gene: KCNT1 (potassium sodium-activated channel subfamily T member 1; plus strand). Cytogenetic location: 9q34.3.
Variant type: single nucleotide variant.
Coding change: c.1462T>C on transcript NM_020822.3 (MANE Select); coding-DNA position 1462, T replaced by C.
Protein change: p.Tyr488His; replaces tyrosine 488 with histidine.
Molecular consequence: missense variant.
Genome position (GRCh38, 1-based): chr9:135,768,889, T>C. VCF-style: chr9-135768889-T-C. GRCh37 (hg19) VCF-style: chr9-138660735-T-C.
Other names: c.1327T>C, p.Tyr443His (NM_001272003.2); short protein forms Y443H, Y488H.
Identifiers: ClinVar variation 4083090 (VCV004083090.1).
Genomic context (GRCh38, chr9:135,768,889, plus strand): 5'-GACCACCAGACCATCCTGCGCGCCTGGGCCGTGAAGGACTTCGCCCCCAACTGCCCCCTC[T>C]ACGTCCAGATCCTCAAACCTGAAAACAAGTTTCACGTCAAGTTTGCTGGTGCGTCTGGGG-3'
Protein context (NP_065873.2, residues 478-498): VKDFAPNCPL[Tyr488His]VQILKPENKF